The following is an entry in ClinVar:

NM_002693.3(POLG):c.3458T>G (p.Leu1153Trp)

Gene: POLG (DNA polymerase gamma, catalytic subunit; minus strand). Cytogenetic location: 15q26.1.
Variant type: single nucleotide variant.
Coding change: c.3458T>G on transcript NM_002693.3 (MANE Select); coding-DNA position 3458, T replaced by G.
Protein change: p.Leu1153Trp; replaces leucine 1153 with tryptophan.
Molecular consequence: missense variant.
Genome position (GRCh38, 1-based): chr15:89,318,565, A>C on the plus strand (T>G on the coding strand, the complement: POLG is on the minus strand). VCF-style: chr15-89318565-A-C. GRCh37 (hg19) VCF-style: chr15-89861796-A-C.
Other names: c.3458T>G, p.Leu1153Trp (NM_001126131.2); short protein forms L1153W.
Identifiers: ClinVar variation 1525521 (VCV001525521.8), dbSNP rs2152058582, ClinGen allele CA393749692.

ClinVar aggregate classification (germline): Uncertain significance (1 of 4 stars; one submission).

Conditions:
Progressive sclerosing poliodystrophy (MTDPS4A). Also called: ALPERS PROGRESSIVE INFANTILE POLIODYSTROPHY; NEURONAL DEGENERATION OF CHILDHOOD WITH LIVER DISEASE, PROGRESSIVE; Mitochondrial DNA Depletion Syndrome 4A; Alpers-Huttenlocher Syndrome (AHS); Alpers Syndrome; ALPERS DIFFUSE DEGENERATION OF CEREBRAL GRAY MATTER WITH HEPATIC CIRRHOSIS. Identifiers: Orphanet 726, MedGen C0205710, MONDO:0008758, OMIM 203700.

Submission:

Labcorp Genetics (formerly Invitae), Labcorp
Classification: Uncertain significance for Progressive sclerosing poliodystrophy. Last evaluated: 2024-11-29. Review status: criteria provided, single submitter. Criteria: Invitae Variant Classification Sherloc (09022015). Collection method: clinical testing. Allele origin: germline.
Comment: This sequence change replaces leucine, which is neutral and non-polar, with tryptophan, which is neutral and slightly polar, at codon 1153 of the POLG protein (p.Leu1153Trp). This variant is not present in population databases (gnomAD no frequency). This variant has not been reported in the literature in individuals affected with POLG-related conditions. ClinVar contains an entry for this variant (Variation ID: 1525521). Invitae Evidence Modeling of protein sequence and biophysical properties (such as structural, functional, and spatial information, amino acid conservation, physicochemical variation, residue mobility, and thermodynamic stability) indicates that this missense variant is expected to disrupt POLG protein function with a positive predictive value of 95%. In summary, the available evidence is currently insufficient to determine the role of this variant in disease. Therefore, it has been classified as a Variant of Uncertain Significance.